The following is an entry in ClinVar:

ClinVar aggregate classification (germline): Uncertain significance (1 of 4 stars; one submission).

Submission:

GeneDx
Classification: Uncertain significance. Last evaluated: 2026-03-26. Review status: criteria provided, single submitter. Criteria: GeneDx Variant Classification Process June 2021. Collection method: clinical testing. Allele origin: germline.
Comment: Not observed at significant frequency in large population cohorts (gnomAD); In silico analysis suggests that this missense variant does not alter protein structure/function; Has not been previously published as pathogenic or benign to our knowledge

NM_015627.3(LDLRAP1):c.719A>C (p.Gln240Pro)

Gene: LDLRAP1 (low density lipoprotein receptor adaptor protein 1; plus strand). Cytogenetic location: 1p36.11.
Variant type: single nucleotide variant.
Coding change: c.719A>C on transcript NM_015627.3 (MANE Select); coding-DNA position 719, A replaced by C.
Protein change: p.Gln240Pro; replaces glutamine 240 with proline.
Molecular consequence: missense variant.
Genome position (GRCh38, 1-based): chr1:25,563,763, A>C. VCF-style: chr1-25563763-A-C. GRCh37 (hg19) VCF-style: chr1-25890254-A-C.
Other names: short protein forms Q240P.
Identifiers: ClinVar variation 5017318 (VCV005017318.1).